The following is an entry in ClinVar:

ClinVar aggregate classification (germline): Benign. Review status: criteria provided, multiple submitters, no conflicts (2 of 4 stars). 2 submissions from 2 submitters: Benign (2). Last evaluated 2018-06-14.

Allele frequency attached by ClinVar (database versions not stated): TOPMed 0.18440; 1000 Genomes Project 30x 0.22142; 1000 Genomes Project 0.23003.
gnomAD v4.1: 204,052 of 909,990 alleles (22%); highest among the groups gnomAD compares: East Asian, 52%; 26,151 homozygotes.

Submissions (2):

GeneDx
Classification: Benign. Last evaluated: 2018-06-14. Review status: criteria provided, single submitter. Criteria: GeneDx Variant Classification (06012015). Collection method: clinical testing. Allele origin: germline. Affected: yes.
Comment: This variant is considered likely benign or benign based on one or more of the following criteria: it is a conservative change, it occurs at a poorly conserved position in the protein, it is predicted to be benign by multiple in silico algorithms, and/or has population frequency not consistent with disease.

Breakthrough Genomics
Classification: Benign. Review status: criteria provided, single submitter. Criteria: ACMG Guidelines, 2015. Collection method: not provided. Allele origin: germline. Inheritance: Autosomal dominant inheritance. Affected: yes.

NM_001386795.1(DTNA):c.149-128T>C

Gene: DTNA (dystrobrevin alpha; plus strand). Cytogenetic location: 18q12.1.
Variant type: single nucleotide variant.
Coding change: c.149-128T>C on transcript NM_001386795.1 (MANE Select); 128 bases into the intron before coding-DNA position 149, T replaced by C.
Molecular consequence: intron variant.
Genome position (GRCh38, 1-based): chr18:34,793,909, T>C. VCF-style: chr18-34793909-T-C. GRCh37 (hg19) VCF-style: chr18-32373873-T-C.
Other names: c.149-128T>C (NM_032975.4, NM_001386761.1, NM_001386762.1 and 35 more transcripts).
Identifiers: ClinVar variation 674304 (VCV000674304.2), dbSNP rs9989533, ClinGen allele CA298587985.